The following is an entry in ClinVar:

ClinVar aggregate classification (germline): Pathogenic/Likely pathogenic. Review status: criteria provided, multiple submitters, no conflicts (2 of 4 stars). 2 submissions from 2 submitters: Pathogenic (1); Likely pathogenic (1). Last evaluated 2024-02-04.

Conditions:
PRPH2-related disorder. Also called: PRPH2-related disorders; PRPH2-related condition. Identifiers: MedGen CN239395.

Submissions (2):

Labcorp Genetics (formerly Invitae), Labcorp
Classification: Pathogenic for PRPH2-related disorder. Last evaluated: 2024-02-04. Review status: criteria provided, single submitter. Criteria: Invitae Variant Classification Sherloc (09022015). Collection method: clinical testing. Allele origin: germline.
Comment: This sequence change creates a premature translational stop signal (p.Asp50Metfs*2) in the PRPH2 gene. It is expected to result in an absent or disrupted protein product. Loss-of-function variants in PRPH2 are known to be pathogenic (PMID: 8111389, 8485575, 8485576, 8675410, 16916875, 17504850, 22863181, 25675413, 26061163, 27365499, 29555955, 33546218). This variant is not present in population databases (gnomAD no frequency). This variant has not been reported in the literature in individuals affected with PRPH2-related conditions. ClinVar contains an entry for this variant (Variation ID: 856260). For these reasons, this variant has been classified as Pathogenic.

Blueprint Genetics
Classification: Likely pathogenic for PRPH2-related disorders. Last evaluated: 2020-10-31. Review status: criteria provided, single submitter. Criteria: ACMG Guidelines, 2015. Collection method: clinical testing. Allele origin: germline. Affected: yes. Observed: 1 variant allele.

Literature cited by the submitters: PubMed 8111389 (cited by Labcorp Genetics (formerly Invitae), Labcorp); PubMed 8485575 (cited by Labcorp Genetics (formerly Invitae), Labcorp); PubMed 8485576 (cited by Labcorp Genetics (formerly Invitae), Labcorp); PubMed 8675410 (cited by Labcorp Genetics (formerly Invitae), Labcorp); PubMed 16916875 (cited by Labcorp Genetics (formerly Invitae), Labcorp); PubMed 17504850 (cited by Labcorp Genetics (formerly Invitae), Labcorp); PubMed 22863181 (cited by Labcorp Genetics (formerly Invitae), Labcorp); PubMed 25675413 (cited by Labcorp Genetics (formerly Invitae), Labcorp); PubMed 26061163 (cited by Labcorp Genetics (formerly Invitae), Labcorp); PubMed 27365499 (cited by Labcorp Genetics (formerly Invitae), Labcorp); PubMed 29555955 (cited by Labcorp Genetics (formerly Invitae), Labcorp); PubMed 33546218 (cited by Labcorp Genetics (formerly Invitae), Labcorp).

NM_000322.5(PRPH2):c.148del (p.Asp50fs)

Gene: PRPH2 (peripherin 2; minus strand). Cytogenetic location: 6p21.1.
Variant type: Deletion.
Coding change: c.148del on transcript NM_000322.5 (MANE Select); coding-DNA position 148, one base deleted (G; older notation c.148delG).
Protein change: p.Asp50fs; shifts the reading frame from aspartic acid 50.
Molecular consequence: frameshift variant.
Genome position (GRCh38, 1-based): chr6:42,722,187, C deleted on the plus strand (G on the coding strand, the reverse complement: PRPH2 is on the minus strand). VCF-style (leftmost placement, unchanged base first): chr6-42722186-TC-T. GRCh37 (hg19) VCF-style: chr6-42689924-TC-T.
Other names: short protein forms D50fs.
Identifiers: ClinVar variation 856260 (VCV000856260.9), dbSNP rs1761917626, ClinGen allele CA916082818.
Genomic context (GRCh38, chr6:42,722,186, plus strand): 5'-AGCACCCCCATCCCTATCAATGAGTTGGGCACAAAATGGCTCTCAGAATTATTCATCACA[TC>T]GCTCCTCTTTCGGAGTTCAATCTTCAGGAACAGTCCTAGGCTGAAGATGATGATGCCAGC-3'